The following is an entry in ClinVar:

NM_001122764.3(PPOX):c.199del (p.Ala66_Leu67insTer)

Gene: PPOX (protoporphyrinogen oxidase; plus strand). Cytogenetic location: 1q23.3.
Variant type: Deletion.
Coding change: c.199del on transcript NM_001122764.3 (MANE Select); coding-DNA position 199, one base deleted (C; older notation c.199delC).
Protein change: p.Ala66_Leu67insTer.
Molecular consequence: nonsense. On other transcripts: 5 prime UTR variant (5).
Genome position (GRCh38, 1-based): chr1:161,167,211, C deleted; the last of 3 consecutive C bases (chr1:161,167,209-161,167,211); deleting any one gives the same sequence. VCF-style (leftmost placement, unchanged base first): chr1-161167208-GC-G. GRCh37 (hg19) VCF-style: chr1-161136998-GC-G.
Other names: p.Leu67*; c.199del, p.Ala66_Leu67insTer (NM_000309.5, NM_001350128.2, NM_001365398.1 and 1 more transcripts); c.-229del (NM_001350129.2); c.-320del (NM_001350130.2); c.-206del (NM_001350131.2); c.-113del (NM_001365400.1); c.-172del (NM_001365401.1).
Identifiers: ClinVar variation 189241 (VCV000189241.10), dbSNP rs786204784, ClinGen allele CA281488.

ClinVar aggregate classification (germline): Pathogenic/Likely pathogenic. Review status: criteria provided, multiple submitters, no conflicts (2 of 4 stars). 3 submissions from 3 submitters: Pathogenic (2); Likely pathogenic (1). Last evaluated 2022-07-16.

Conditions:
Variegate porphyria (VP). Also called: PORPHYRIA, SOUTH AFRICAN TYPE; PROTOPORPHYRINOGEN OXIDASE DEFICIENCY; PPOX DEFICIENCY. Identifiers: Orphanet 79473, MedGen C0162532, MONDO:0008297, OMIM 176200.

Submissions (3):

Labcorp Genetics (formerly Invitae), Labcorp
Classification: Pathogenic. Last evaluated: 2022-07-16. Review status: criteria provided, single submitter. Criteria: Invitae Variant Classification Sherloc (09022015). Collection method: clinical testing. Allele origin: germline.
Comment: This sequence change creates a premature translational stop signal (p.Leu67*) in the PPOX gene. It is expected to result in an absent or disrupted protein product. Loss-of-function variants in PPOX are known to be pathogenic (PMID: 10486317). For these reasons, this variant has been classified as Pathogenic. Algorithms developed to predict the effect of sequence changes on RNA splicing suggest that this variant may disrupt the consensus splice site. ClinVar contains an entry for this variant (Variation ID: 189241). This variant has not been reported in the literature in individuals affected with PPOX-related conditions. This variant is not present in population databases (gnomAD no frequency).

Mayo Clinic Laboratories, Mayo Clinic
Classification: Likely pathogenic. Last evaluated: 2022-03-04. Review status: criteria provided, single submitter. Criteria: ACMG Guidelines, 2015. Collection method: clinical testing. Allele origin: germline. Observed: 1 variant allele.
Comment: PM2, PVS1

Laboratory for Molecular Medicine, Mass General Brigham Personalized Medicine
Classification: Pathogenic for Porphyria variegata. Last evaluated: 2014-03-24. Review status: criteria provided, single submitter. Criteria: LMM Criteria. Collection method: clinical testing. Allele origin: germline. Inheritance: Autosomal dominant inheritance. Observed: 1 variant allele. Study: CSER-MedSeq.
Comment: The Leu67X variant in PPOX has not been previously reported in the literature nor identified in large population studies. This nonsense variant leads to a premature termination codon at position 67, which is predicted to lead to a truncated or absent protein. Heterozygous loss of function of the PPOX gene is an established disease mechanism in variegate porphyria. However, penetrance of this disease is variable, and many individuals with pathogenic variants in the PPOX gene do not have symptoms of the disease. In summary, this variant meets our criteria to be classified as pathogenic with reduced penetrance.

Literature cited by the submitters: PubMed 10486317 (cited by Labcorp Genetics (formerly Invitae), Labcorp); PubMed 25714468 (cited by Mayo Clinic Laboratories, Mayo Clinic).